The following is an entry in ClinVar:

NM_017780.4(CHD7):c.1380A>G (p.Pro460=)

Gene: CHD7 (chromodomain helicase DNA binding protein 7; plus strand). Cytogenetic location: 8q12.2.
Variant type: single nucleotide variant.
Coding change: c.1380A>G on transcript NM_017780.4 (MANE Select); coding-DNA position 1380, A replaced by G.
Protein change: p.Pro460=; no amino-acid change (proline 460 retained).
Molecular consequence: synonymous variant.
Genome position (GRCh38, 1-based): chr8:60,742,812, A>G. VCF-style: chr8-60742812-A-G. GRCh37 (hg19) VCF-style: chr8-61655371-A-G.
Other names: c.1380A>G, p.Pro460= (NM_001316690.1).
Identifiers: ClinVar variation 703664 (VCV000703664.9), dbSNP rs746064587, ClinGen allele CA4759483.
Genomic context (GRCh38, chr8:60,742,812, plus strand): 5'-TGGTGCCATGGGAATCGGACAGAGGAATATGGGCCCCAGAAACATGCAGCAGTCTCGTCC[A>G]TTTATAGGCATGTCCTCGGCACCAAGGGAATTGACTGGGCACATGAGGCCAAATGGTTGT-3'
Protein context (NP_060250.2, residues 450-470): MGPRNMQQSR[Pro460=]FIGMSSAPRE

ClinVar aggregate classification (germline): Likely benign. Review status: criteria provided, single submitter (1 of 4 stars). 2 submissions from 2 submitters: Likely benign (1). 1 of the submissions does not count toward it. Last evaluated 2025-06-14.

Conditions:
CHD7-related disorder. Also called: CHD7-related condition.
CHARGE syndrome (CHARGE). Also called: Hittner Hirsch Kreh syndrome; CHARGE ASSOCIATION--COLOBOMA, HEART ANOMALY, CHOANAL ATRESIA, RETARDATION, GENITAL AND EAR ANOMALIES; Coloboma, heart anomaly, choanal atresia, retardation, genital and ear anomalies; CHARGE association; Hall-Hittner syndrome. Identifiers: Orphanet 138, MedGen C0265354, MONDO:0008965.

Allele frequency attached by ClinVar (database versions not stated): gnomAD exomes 0.00001 and 0.00002; ExAC 0.00002; gnomAD 0.00003; TOPMed 0.00003.
gnomAD v4.1: 29 of 1,613,830 alleles (0.0018%); highest among the groups gnomAD compares: African/African-American, 0.0053%; no homozygotes.

Submissions (2):

Labcorp Genetics (formerly Invitae), Labcorp
Classification: Likely benign for CHARGE syndrome. Last evaluated: 2025-06-14. Review status: criteria provided, single submitter. Criteria: Invitae Variant Classification Sherloc (09022015). Collection method: clinical testing. Allele origin: germline.

PreventionGenetics, part of Exact Sciences
Classification: Likely benign for CHD7-related condition. Last evaluated: 2024-06-19. Review status: no assertion criteria provided. Collection method: clinical testing. Allele origin: germline. Not counted in ClinVar's aggregate classification.
Comment: This variant is classified as likely benign based on ACMG/AMP sequence variant interpretation guidelines (Richards et al. 2015 PMID: 25741868, with internal and published modifications).